The following is an entry in ClinVar:

ClinVar aggregate classification (germline): Uncertain significance (1 of 4 stars; one submission).

Conditions:
Early-infantile DEE. Also called: Ohtahara syndrome; Early infantile epileptic encephalopathy with suppression bursts; Early infantile epileptic encephalopathy. Identifiers: Orphanet 1934, MedGen C0393706, MONDO:0800491.

Submission:

Labcorp Genetics (formerly Invitae), Labcorp
Classification: Uncertain significance for Early-infantile DEE. Last evaluated: 2023-11-13. Review status: criteria provided, single submitter. Criteria: Invitae Variant Classification Sherloc (09022015). Collection method: clinical testing. Allele origin: germline.
Comment: This sequence change replaces valine, which is neutral and non-polar, with alanine, which is neutral and non-polar, at codon 733 of the KCNQ2 protein (p.Val733Ala). This variant is not present in population databases (gnomAD no frequency). This variant has not been reported in the literature in individuals affected with KCNQ2-related conditions. An algorithm developed to predict the effect of missense changes on protein structure and function (PolyPhen-2) suggests that this variant is likely to be tolerated. In summary, the available evidence is currently insufficient to determine the role of this variant in disease. Therefore, it has been classified as a Variant of Uncertain Significance.

NM_172107.4(KCNQ2):c.2198T>C (p.Val733Ala)

Gene: KCNQ2 (potassium voltage-gated channel subfamily Q member 2; minus strand). Cytogenetic location: 20q13.33.
Variant type: single nucleotide variant.
Coding change: c.2198T>C on transcript NM_172107.4 (MANE Select); coding-DNA position 2198, T replaced by C.
Protein change: p.Val733Ala; replaces valine 733 with alanine.
Molecular consequence: missense variant.
Genome position (GRCh38, 1-based): chr20:63,407,065, A>G on the plus strand (T>C on the coding strand, the complement: KCNQ2 is on the minus strand). VCF-style: chr20-63407065-A-G. GRCh37 (hg19) VCF-style: chr20-62038418-A-G.
Other names: c.2252T>C, p.Val751Ala (NM_001382235.1); c.2114T>C, p.Val705Ala (NM_004518.6); c.2144T>C, p.Val715Ala (NM_172106.3); c.2105T>C, p.Val702Ala (NM_172108.5); short protein forms V702A, V715A, V733A, V705A, V751A.
Identifiers: ClinVar variation 2695491 (VCV002695491.3), dbSNP rs2516099646, ClinGen allele CA409638571.